The following is an entry in ClinVar:

NM_139027.6(ADAMTS13):c.627C>T (p.Leu209=)

Gene: ADAMTS13 (ADAM metallopeptidase with thrombospondin type 1 motif 13; plus strand). Cytogenetic location: 9q34.2.
Variant type: single nucleotide variant.
Coding change: c.627C>T on transcript NM_139027.6 (MANE Select); coding-DNA position 627, C replaced by T.
Protein change: p.Leu209=; no amino-acid change (leucine 209 retained).
Molecular consequence: synonymous variant. On other transcripts: non-coding transcript variant (1).
Genome position (GRCh38, 1-based): chr9:133,426,286, C>T. VCF-style: chr9-133426286-C-T. GRCh37 (hg19) VCF-style: chr9-136291406-C-T.
Other names: p.Leu209=; c.627C>T, p.Leu209= (NM_139025.5, NM_139026.6).
Identifiers: ClinVar variation 4683452 (VCV004683452.1).

ClinVar aggregate classification (germline): Likely benign (1 of 4 stars; one submission).

Submission:

Mayo Clinic Laboratories, Mayo Clinic
Classification: Likely benign. Last evaluated: 2025-10-15. Review status: criteria provided, single submitter. Criteria: ACMG Guidelines, 2015. Collection method: clinical testing. Allele origin: germline. Observed: 1 variant allele.
Comment: BP4, BP7, PM2_supporting